The following is an entry in ClinVar:

NM_000219.6(KCNE1):c.*1666G>A

Gene: KCNE1 (potassium voltage-gated channel subfamily E regulatory subunit 1; minus strand). Cytogenetic location: 21q22.12.
Variant type: single nucleotide variant.
Coding change: c.*1666G>A on transcript NM_000219.6 (MANE Select); 1666 bases downstream of the stop codon, G replaced by A.
Molecular consequence: 3 prime UTR variant.
Genome position (GRCh38, 1-based): chr21:34,447,579, C>T on the plus strand (G>A on the coding strand, the complement: KCNE1 is on the minus strand). VCF-style: chr21-34447579-C-T. GRCh37 (hg19) VCF-style: chr21-35819877-C-T.
Other names: c.*1666G>A (NM_001127668.4, NM_001127669.4, NM_001127670.4 and 4 more transcripts).
Identifiers: ClinVar variation 339742 (VCV000339742.6), dbSNP rs181999033, ClinGen allele CA10652886.
Genomic context (GRCh38, chr21:34,447,579, plus strand): 5'-CTTATGCGCAGGTTTTAAAAAAATATGTTTCATTTAAATATTCCATACTCTTCAGGAATG[C>T]CCAGGCAGCTGAGCTTTCAGGATGTCGCATTGCAGAGGACTCCAATGCTACATATGGCAG-3'

ClinVar aggregate classification (germline): Likely benign. Review status: criteria provided, single submitter (1 of 4 stars). 2 submissions from 1 submitter: Likely benign (2). Last evaluated 2018-01-13.

Conditions:
Long QT syndrome 5 (LQT5). Identifiers: Orphanet 101016, Orphanet 768, MedGen C1867904, MONDO:0013372, OMIM 613695.
Jervell and Lange-Nielsen syndrome 2 (JLNS2). Identifiers: Orphanet 768, Orphanet 90647, MedGen C2676723, MONDO:0012871, OMIM 612347.

Allele frequency attached by ClinVar (database versions not stated): gnomAD 0.00019; 1000 Genomes Project 0.00060.

Submissions (2):

Illumina Laboratory Services, Illumina
Classification: Likely benign for Jervell and Lange-Nielsen syndrome 2. Last evaluated: 2018-01-13. Review status: criteria provided, single submitter. Criteria: ICSL Variant Classification Criteria 13 December 2019. Collection method: clinical testing. Allele origin: germline.
Comment: This variant was observed in the ICSL laboratory as part of a predisposition screen in an ostensibly healthy population. It had not been previously curated by ICSL or reported in the Human Gene Mutation Database (HGMD: prior to June 1st, 2018), and was therefore a candidate for classification through an automated scoring system. Utilizing variant allele frequency, disease prevalence and penetrance estimates, and inheritance mode, an automated score was calculated to assess if this variant is too frequent to cause the disease. Based on the score and internal cut-off values, a variant classified as likely benign is not then subjected to further curation. The score for this variant resulted in a classification of likely benign for this disease.

Illumina Laboratory Services, Illumina
Classification: Likely benign for Long QT syndrome 5. Last evaluated: 2018-01-13. Review status: criteria provided, single submitter. Criteria: ICSL Variant Classification Criteria 13 December 2019. Collection method: clinical testing. Allele origin: germline.
Comment: the same text as in the submission from Illumina Laboratory Services, Illumina above.